The following is an entry in ClinVar:

NM_032608.7(MYO18B):c.3557C>T (p.Ala1186Val)

Gene: MYO18B (myosin XVIIIB; plus strand). Cytogenetic location: 22q12.1.
Variant type: single nucleotide variant.
Coding change: c.3557C>T on transcript NM_032608.7 (MANE Select); coding-DNA position 3557, C replaced by T.
Protein change: p.Ala1186Val; replaces alanine 1186 with valine.
Molecular consequence: missense variant.
Genome position (GRCh38, 1-based): chr22:25,847,434, C>T. VCF-style: chr22-25847434-C-T. GRCh37 (hg19) VCF-style: chr22-26243401-C-T.
Other names: c.3560C>T, p.Ala1187Val (NM_001318245.2); short protein forms A1187V, A1186V.
Identifiers: ClinVar variation 1907670 (VCV001907670.4), dbSNP rs571747300, ClinGen allele CA10160607.
Genomic context (GRCh38, chr22:25,847,434, plus strand): 5'-CCCCTTTCTGTGTCTCTGTGAGACAACTGGCCCTGACCTCCCTCTATTTGGTCTAGGATG[C>T]GCTGACCAGCATGATCAAAAGGTCCCGGCTGCACTTTATCCACTGCCTGGTACCAAACCC-3'
Protein context (NP_115997.5, residues 1176-1196): PCSQIKLQMD[Ala1186Val]LTSMIKRSRL

ClinVar aggregate classification (germline): Uncertain significance. Review status: criteria provided, multiple submitters, no conflicts (2 of 4 stars). 2 submissions from 2 submitters: Uncertain significance (2). Last evaluated 2023-12-27.

Allele frequency attached by ClinVar (database versions not stated): TOPMed 0.00002; gnomAD exomes 0.00003; gnomAD 0.00004; ExAC 0.00012; 1000 Genomes Project 30x 0.00031; 1000 Genomes Project 0.00040.
gnomAD v4.1: 53 of 1,565,328 alleles (0.0034%); highest among the groups gnomAD compares: South Asian, 0.051%; 1 homozygote.

Submissions (2):

Blueprint Genetics
Classification: Uncertain significance. Last evaluated: 2023-12-27. Review status: criteria provided, single submitter. Criteria: ACMG Guidelines, 2015. Collection method: clinical testing. Allele origin: germline.

Labcorp Genetics (formerly Invitae), Labcorp
Classification: Uncertain significance. Last evaluated: 2022-02-19. Review status: criteria provided, single submitter. Criteria: Invitae Variant Classification Sherloc (09022015). Collection method: clinical testing. Allele origin: germline.
Comment: In summary, the available evidence is currently insufficient to determine the role of this variant in disease. Therefore, it has been classified as a Variant of Uncertain Significance. Algorithms developed to predict the effect of missense changes on protein structure and function are either unavailable or do not agree on the potential impact of this missense change (SIFT: "Not Available"; PolyPhen-2: "Probably Damaging"; Align-GVGD: "Not Available"). This variant has not been reported in the literature in individuals affected with MYO18B-related conditions. The frequency data for this variant in the population databases is considered unreliable, as metrics indicate poor data quality at this position in the gnomAD database. This sequence change replaces alanine, which is neutral and non-polar, with valine, which is neutral and non-polar, at codon 1186 of the MYO18B protein (p.Ala1186Val).